The following is an entry in ClinVar:

ClinVar aggregate classification (germline): Uncertain significance (1 of 4 stars; one submission).

Conditions:
Hereditary breast ovarian cancer syndrome. Also called: Hereditary breast and ovarian cancer syndrome (HBOC); Breast and ovarian cancer; BRCA1- and BRCA2-Associated Hereditary Breast and Ovarian Cancer; Hereditary breast and ovarian cancer syndrome; Hereditary breast and ovarian cancer; Hereditary breast and/or ovarian cancer syndrome. Identifiers: Orphanet 145, MedGen C0677776, MeSH D061325, MONDO:0003582. Disease mechanism: loss of function.

Submission:

Labcorp Genetics (formerly Invitae), Labcorp
Classification: Uncertain significance for Hereditary breast ovarian cancer syndrome. Last evaluated: 2023-02-27. Review status: criteria provided, single submitter. Criteria: Invitae Variant Classification Sherloc (09022015). Collection method: clinical testing. Allele origin: germline.
Comment: This variant is not present in population databases (gnomAD no frequency). This sequence change replaces valine, which is neutral and non-polar, with glutamic acid, which is acidic and polar, at codon 1023 of the BRCA1 protein (p.Val1023Glu). This variant has not been reported in the literature in individuals affected with BRCA1-related conditions. In summary, the available evidence is currently insufficient to determine the role of this variant in disease. Therefore, it has been classified as a Variant of Uncertain Significance. Advanced modeling of protein sequence and biophysical properties (such as structural, functional, and spatial information, amino acid conservation, physicochemical variation, residue mobility, and thermodynamic stability) performed at Invitae indicates that this missense variant is not expected to disrupt BRCA1 protein function.

NM_007294.4(BRCA1):c.3068T>A (p.Val1023Glu)

Gene: BRCA1 (BRCA1 DNA repair associated; minus strand). Cytogenetic location: 17q21.31.
Variant type: single nucleotide variant.
Coding change: c.3068T>A on transcript NM_007294.4 (MANE Select); coding-DNA position 3068, T replaced by A.
Protein change: p.Val1023Glu; replaces valine 1023 with glutamic acid.
Molecular consequence: missense variant. On other transcripts: intron variant (137).
Genome position (GRCh38, 1-based): chr17:43,092,463, A>T on the plus strand (T>A on the coding strand, the complement: BRCA1 is on the minus strand). VCF-style: chr17-43092463-A-T. GRCh37 (hg19) VCF-style: chr17-41244480-A-T.
Other names: c.2927T>A, p.Val976Glu (NM_001407737.1, NM_001407738.1, NM_001407739.1 and 29 more transcripts); c.665-1431T>A (NM_001408439.1, NM_001408425.1, NM_001408436.1 and 12 more transcripts); c.2924T>A, p.Val975Glu (NM_001407740.1, NM_001407742.1, NM_001407741.1 and 20 more transcripts); c.671-1431T>A (NM_001408419.1, NM_001408423.1, NM_001408420.1 and 2 more transcripts); c.788-1431T>A (NM_001407975.1, NM_001407971.1, NM_001408403.1 and 17 more transcripts); c.791-1440T>A (NM_001408406.1); c.647-1431T>A (NM_001408456.1, NM_001408458.1, NM_001408469.1 and 11 more transcripts); c.2855T>A, p.Val952Glu (NM_001407571.1, NM_001407853.1, NM_001407894.1 and 9 more transcripts); and 41 more; short protein forms V1023E, V727E, V896E, V952E, V953E, V956E, V975E, V982E.
Identifiers: ClinVar variation 2841232 (VCV002841232.3), dbSNP rs2154344124, ClinGen allele CA10595851.